The following is an entry in ClinVar:

ClinVar aggregate classification (germline): Uncertain significance (1 of 4 stars; one submission).

Allele frequency attached by ClinVar (database versions not stated): gnomAD exomes below 0.00001.

Submission:

CeGaT Center for Human Genetics Tuebingen
Classification: Uncertain significance. Last evaluated: 2024-06-01. Review status: criteria provided, single submitter. Criteria: CeGaT Center For Human Genetics Tuebingen Variant Classification Criteria Version 2. Collection method: clinical testing. Allele origin: germline. Affected: yes. Observed: 1 variant allele.
Comment: PSMB8: PM2, BP4

NM_148919.4(PSMB8):c.208G>A (p.Ala70Thr)

Gene: PSMB8 (proteasome 20S subunit beta 8; minus strand). Cytogenetic location: 6p21.32.
Variant type: single nucleotide variant.
Coding change: c.208G>A on transcript NM_148919.4 (MANE Select); coding-DNA position 208, G replaced by A.
Protein change: p.Ala70Thr; replaces alanine 70 with threonine.
Molecular consequence: missense variant.
Genome position (GRCh38, 1-based): chr6:32,843,029, C>T on the plus strand (G>A on the coding strand, the complement: PSMB8 is on the minus strand). VCF-style: chr6-32843029-C-T. GRCh37 (hg19) VCF-style: chr6-32810806-C-T.
Other names: c.196G>A, p.Ala66Thr (NM_004159.5); short protein forms A66T, A70T.
Identifiers: ClinVar variation 3251136 (VCV003251136.18), dbSNP rs2483089614.